The following is an entry in ClinVar:

NM_019098.5(CNGB3):c.2038del (p.Leu679_Leu680insTer)

Gene: CNGB3 (cyclic nucleotide gated channel subunit beta 3; minus strand). Cytogenetic location: 8q21.3.
Variant type: Deletion.
Coding change: c.2038del on transcript NM_019098.5 (MANE Select); coding-DNA position 2038, one base deleted (C; older notation c.2038delC).
Protein change: p.Leu679_Leu680insTer.
Molecular consequence: nonsense.
Genome position (GRCh38, 1-based): chr8:86,578,754, G deleted on the plus strand (C on the coding strand, the reverse complement: CNGB3 is on the minus strand); the first of 2 consecutive G bases (chr8:86,578,754-86,578,755); deleting either gives the same sequence. VCF-style (leftmost placement, unchanged base first): chr8-86578753-AG-A. GRCh37 (hg19) VCF-style: chr8-87590981-AG-A.
Identifiers: ClinVar variation 2897593 (VCV002897593.3), dbSNP rs2538027675, ClinGen allele CA2739268866.

ClinVar aggregate classification (germline): Pathogenic (1 of 4 stars; one submission).

Submission:

Labcorp Genetics (formerly Invitae), Labcorp
Classification: Pathogenic. Last evaluated: 2023-04-17. Review status: criteria provided, single submitter. Criteria: Invitae Variant Classification Sherloc (09022015). Collection method: clinical testing. Allele origin: germline.
Comment: This sequence change creates a premature translational stop signal (p.Leu680*) in the CNGB3 gene. It is expected to result in an absent or disrupted protein product. Loss-of-function variants in CNGB3 are known to be pathogenic (PMID: 28795510). This variant is not present in population databases (gnomAD no frequency). For these reasons, this variant has been classified as Pathogenic. This variant has not been reported in the literature in individuals affected with CNGB3-related conditions.

Literature cited by the submitters: PubMed 28795510.